The following is an entry in ClinVar:

ClinVar aggregate classification (germline): Uncertain significance (1 of 4 stars; one submission).

Conditions:
Charcot-Marie-Tooth disease type 2. Also called: Charcot-Marie-Tooth type 2. Identifiers: Orphanet 64746, MedGen C0270914, MONDO:0018993.

Submission:

Labcorp Genetics (formerly Invitae), Labcorp
Classification: Uncertain significance for Charcot-Marie-Tooth disease type 2. Last evaluated: 2023-08-17. Review status: criteria provided, single submitter. Criteria: Invitae Variant Classification Sherloc (09022015). Collection method: clinical testing. Allele origin: germline.
Comment: This sequence change replaces glutamine, which is neutral and polar, with leucine, which is neutral and non-polar, at codon 922 of the AARS protein (p.Gln922Leu). This variant is not present in population databases (gnomAD no frequency). This variant has not been reported in the literature in individuals affected with AARS-related conditions. ClinVar contains an entry for this variant (Variation ID: 1682084). Advanced modeling of protein sequence and biophysical properties (such as structural, functional, and spatial information, amino acid conservation, physicochemical variation, residue mobility, and thermodynamic stability) performed at Invitae indicates that this missense variant is not expected to disrupt AARS protein function. In summary, the available evidence is currently insufficient to determine the role of this variant in disease. Therefore, it has been classified as a Variant of Uncertain Significance.

NM_001605.3(AARS1):c.2765A>T (p.Gln922Leu)

Gene: AARS1 (alanyl-tRNA synthetase 1; minus strand). Cytogenetic location: 16q22.1.
Variant type: single nucleotide variant.
Coding change: c.2765A>T on transcript NM_001605.3 (MANE Select); coding-DNA position 2765, A replaced by T.
Protein change: p.Gln922Leu; replaces glutamine 922 with leucine.
Molecular consequence: missense variant.
Genome position (GRCh38, 1-based): chr16:70,252,863, T>A on the plus strand (A>T on the coding strand, the complement: AARS1 is on the minus strand). VCF-style: chr16-70252863-T-A. GRCh37 (hg19) VCF-style: chr16-70286766-T-A.
Other names: short protein forms Q922L.
Identifiers: ClinVar variation 1682084 (VCV001682084.8), dbSNP rs2152149415, ClinGen allele CA396554477.